The following is an entry in ClinVar:

ClinVar aggregate classification (germline): Uncertain significance. Review status: criteria provided, multiple submitters, no conflicts (2 of 4 stars). 2 submissions from 2 submitters: Uncertain significance (2). Last evaluated 2025-08-09.

Allele frequency attached by ClinVar (database versions not stated): 1000 Genomes Project 30x 0.00078; gnomAD exomes 0.00003; ExAC 0.00005; gnomAD 0.00009 and 0.00011; TOPMed 0.00014; ESP Exome Variant Server 0.00023; 1000 Genomes Project 0.00060.
gnomAD v4.1: 22 of 1,613,934 alleles (0.0014%); highest among the groups gnomAD compares: African/African-American, 0.021%; no homozygotes.

Submissions (2):

Ambry Genetics
Classification: Uncertain significance. Last evaluated: 2025-08-09. Review status: criteria provided, single submitter. Criteria: Ambry Variant Classification Scheme 2023. Collection method: clinical testing. Allele origin: germline.

GeneDx
Classification: Uncertain significance. Last evaluated: 2019-10-04. Review status: criteria provided, single submitter. Criteria: GeneDx Variant Classification Process June 2021. Collection method: clinical testing. Allele origin: germline. Affected: yes.
Comment: In silico analysis, which includes protein predictors and evolutionary conservation, supports a deleterious effect; Has not been previously published as pathogenic or benign to our knowledge

NM_005523.6(HOXA11):c.348C>G (p.His116Gln)

Genes: HOXA11 (homeobox A11; minus strand), LOC107126281 (NUP98-HOXA11 recombination region; plus strand). Cytogenetic location: 7p15.2.
Variant type: single nucleotide variant.
Coding change: c.348C>G on transcript NM_005523.6 (MANE Select); coding-DNA position 348, C replaced by G.
Protein change: p.His116Gln; replaces histidine 116 with glutamine.
Molecular consequence: missense variant.
Genome position (GRCh38, 1-based): chr7:27,184,797, G>C on the plus strand (C>G on the coding strand, the complement: HOXA11 is on the minus strand). VCF-style: chr7-27184797-G-C. GRCh37 (hg19) VCF-style: chr7-27224416-G-C.
Other names: short protein forms H116Q.
Identifiers: ClinVar variation 1308754 (VCV001308754.3), dbSNP rs372937744, ClinGen allele CA4198431.